The following is an entry in ClinVar:

NM_001080517.3(SETD5):c.3195+3_3195+6del

Gene: SETD5 (SET domain containing 5; plus strand). Cytogenetic location: 3p25.3.
Variant type: Microsatellite.
Coding change: c.3195+3_3195+6del on transcript NM_001080517.3 (MANE Select); bases 3 to 6 of the intron after coding-DNA position 3195, 4 bases deleted (AAGT; older notation c.3195+3_3195+6delAAGT).
Molecular consequence: splice donor variant.
Genome position (GRCh38, 1-based): chr3:9,470,932-9,470,935, AAGT deleted; deleting any 4 consecutive bases within chr3:9,470,928-9,470,935 gives the same sequence; the c. name uses the placement nearest the transcript's 3' end. VCF-style (leftmost placement, unchanged base first): chr3-9470927-AAAGT-A. GRCh37 (hg19) VCF-style: chr3-9512611-AAAGT-A.
Other names: c.2901+3_2901+6del (NM_001349451.2, NM_001292043.2).
Identifiers: ClinVar variation 3384382 (VCV003384382.2).

ClinVar aggregate classification (germline): Pathogenic (1 of 4 stars; one submission).

Submission:

GeneDx
Classification: Pathogenic. Last evaluated: 2026-01-22. Review status: criteria provided, single submitter. Criteria: GeneDx Variant Classification Process June 2021. Collection method: clinical testing. Allele origin: germline.
Comment: Not observed at significant frequency in large population cohorts (gnomAD); Intronic +5 splice site variant in a gene for which loss of function is a known mechanism of disease, and both splice predictors and evolutionary conservation support a deleterious effect, although in the absence of functional evidence the actual effect of this sequence change is unknown.; Has not been previously published as pathogenic or benign to our knowledge